The following is an entry in ClinVar:

NM_001854.4(COL11A1):c.4736T>C (p.Ile1579Thr)

Gene: COL11A1 (collagen type XI alpha 1 chain; minus strand). Cytogenetic location: 1p21.1.
Variant type: single nucleotide variant.
Coding change: c.4736T>C on transcript NM_001854.4 (MANE Select); coding-DNA position 4736, T replaced by C.
Protein change: p.Ile1579Thr; replaces isoleucine 1579 with threonine.
Molecular consequence: missense variant. On other transcripts: non-coding transcript variant (1).
Genome position (GRCh38, 1-based): chr1:102,886,929, A>G on the plus strand (T>C on the coding strand, the complement: COL11A1 is on the minus strand). VCF-style: chr1-102886929-A-G. GRCh37 (hg19) VCF-style: chr1-103352485-A-G.
Other names: c.4619T>C, p.Ile1540Thr (NM_001190709.2); c.4772T>C, p.Ile1591Thr (NM_080629.3); c.4388T>C, p.Ile1463Thr (NM_080630.4); short protein forms I1540T, I1463T, I1591T, I1579T.
Identifiers: ClinVar variation 4743448 (VCV004743448.1).

ClinVar aggregate classification (germline): Uncertain significance (1 of 4 stars; one submission).

Submission:

Labcorp Genetics (formerly Invitae), Labcorp
Classification: Uncertain significance. Last evaluated: 2025-04-20. Review status: criteria provided, single submitter. Criteria: Invitae Variant Classification Sherloc (09022015). Collection method: clinical testing. Allele origin: germline.
Comment: This sequence change replaces isoleucine, which is neutral and non-polar, with threonine, which is neutral and polar, at codon 1579 of the COL11A1 protein (p.Ile1579Thr). This variant is not present in population databases (gnomAD no frequency). This variant has not been reported in the literature in individuals affected with COL11A1-related conditions. Invitae Evidence Modeling of protein sequence and biophysical properties (such as structural, functional, and spatial information, amino acid conservation, physicochemical variation, residue mobility, and thermodynamic stability) indicates that this missense variant is not expected to disrupt COL11A1 protein function with a negative predictive value of 80%. In summary, the available evidence is currently insufficient to determine the role of this variant in disease. Therefore, it has been classified as a Variant of Uncertain Significance.